The following is an entry in ClinVar:

ClinVar aggregate classification (germline): Uncertain significance (1 of 4 stars; one submission).

Submission:

Ambry Genetics
Classification: Uncertain significance. Last evaluated: 2024-05-27. Review status: criteria provided, single submitter. Criteria: Ambry Variant Classification Scheme 2023. Collection method: clinical testing. Allele origin: germline.
Comment: The p.S3G variant (also known as c.7A>G), located in coding exon 1 of the EGLN2 gene, results from an A to G substitution at nucleotide position 7. The serine at codon 3 is replaced by glycine, an amino acid with similar properties. This amino acid position is conserved. In addition, this alteration is predicted to be tolerated by in silico analysis. Based on the available evidence, the clinical significance of this variant remains unclear.

NM_080732.4(EGLN2):c.7A>G (p.Ser3Gly)

Genes: EGLN2 (egl-9 family hypoxia inducible factor 2; plus strand), RAB4B-EGLN2 (RAB4B-EGLN2 readthrough (NMD candidate); plus strand). Cytogenetic location: 19q13.2.
Variant type: single nucleotide variant.
Coding change: c.7A>G on transcript NM_080732.4 (MANE Select); coding-DNA position 7, A replaced by G.
Protein change: p.Ser3Gly; replaces serine 3 with glycine.
Molecular consequence: missense variant. On other transcripts: non-coding transcript variant (1).
Genome position (GRCh38, 1-based): chr19:40,800,579, A>G. VCF-style: chr19-40800579-A-G. GRCh37 (hg19) VCF-style: chr19-41306484-A-G.
Other names: c.7A>G, p.Ser3Gly (NM_053046.4); short protein forms S3G.
Identifiers: ClinVar variation 3274831 (VCV003274831.1).